The following is an entry in ClinVar:

NM_002480.3(PPP1R12A):c.2153G>A (p.Arg718Gln)

Gene: PPP1R12A (protein phosphatase 1 regulatory subunit 12A; minus strand). Cytogenetic location: 12q21.2.
Variant type: single nucleotide variant.
Coding change: c.2153G>A on transcript NM_002480.3 (MANE Select); coding-DNA position 2153, G replaced by A.
Protein change: p.Arg718Gln; replaces arginine 718 with glutamine.
Molecular consequence: missense variant.
Genome position (GRCh38, 1-based): chr12:79,797,334, C>T on the plus strand (G>A on the coding strand, the complement: PPP1R12A is on the minus strand). VCF-style: chr12-79797334-C-T. GRCh37 (hg19) VCF-style: chr12-80191114-C-T.
Other names: c.2153G>A, p.Arg718Gln (NM_001143885.2, NM_001244990.2); c.1892G>A, p.Arg631Gln (NM_001143886.2); c.1985G>A, p.Arg662Gln (NM_001244992.1); short protein forms R662Q, R718Q, R631Q.
Identifiers: ClinVar variation 2722797 (VCV002722797.3), dbSNP rs745739037, ClinGen allele CA6699507.

ClinVar aggregate classification (germline): Uncertain significance (1 of 4 stars; one submission).

Allele frequency attached by ClinVar (database versions not stated): gnomAD 0.00001; gnomAD exomes 0.00002; TOPMed 0.00003; ExAC 0.00008.
gnomAD v4.1: 38 of 1,601,606 alleles (0.0024%); highest among the groups gnomAD compares: Admixed American, 0.029%; no homozygotes.

Submission:

Labcorp Genetics (formerly Invitae), Labcorp
Classification: Uncertain significance. Last evaluated: 2024-07-08. Review status: criteria provided, single submitter. Criteria: Invitae Variant Classification Sherloc (09022015). Collection method: clinical testing. Allele origin: germline.
Comment: This sequence change replaces arginine, which is basic and polar, with glutamine, which is neutral and polar, at codon 718 of the PPP1R12A protein (p.Arg718Gln). This variant is present in population databases (rs745739037, gnomAD 0.04%), and has an allele count higher than expected for a pathogenic variant. This variant has not been reported in the literature in individuals affected with PPP1R12A-related conditions. An algorithm developed to predict the effect of missense changes on protein structure and function (PolyPhen-2) suggests that this variant is likely to be disruptive. In summary, the available evidence is currently insufficient to determine the role of this variant in disease. Therefore, it has been classified as a Variant of Uncertain Significance.